The following is an entry in ClinVar:

NM_003482.4(KMT2D):c.2584C>T (p.Pro862Ser)

Gene: KMT2D (lysine methyltransferase 2D; minus strand). Cytogenetic location: 12q13.12.
Variant type: single nucleotide variant.
Coding change: c.2584C>T on transcript NM_003482.4 (MANE Select); coding-DNA position 2584, C replaced by T.
Protein change: p.Pro862Ser; replaces proline 862 with serine.
Molecular consequence: missense variant.
Genome position (GRCh38, 1-based): chr12:49,051,099, G>A on the plus strand (C>T on the coding strand, the complement: KMT2D is on the minus strand). VCF-style: chr12-49051099-G-A. GRCh37 (hg19) VCF-style: chr12-49444882-G-A.
Other names: short protein forms P862S.
Identifiers: ClinVar variation 3771303 (VCV003771303.13).
Genomic context (GRCh38, chr12:49,051,099, plus strand): 5'-AGGGCAGCTCCTCAGGTGCAGGGCATTGGCCTGGCTCCTCAGGGGGCTTTTCAGGCCGAG[G>A]GGACAGGGGTGGCTTCTCAAGCTCAGGGGACAGATGCGATTCCTCAGGCCGGGGGGACAG-3'
Protein context (NP_003473.3, residues 852-872): SPELEKPPLS[Pro862Ser]RPEKPPEEPG

ClinVar aggregate classification (germline): Uncertain significance (1 of 4 stars; one submission).

Submission:

CeGaT Center for Human Genetics Tuebingen
Classification: Uncertain significance. Last evaluated: 2025-01-01. Review status: criteria provided, single submitter. Criteria: CeGaT Center For Human Genetics Tuebingen Variant Classification Criteria Version 2. Collection method: clinical testing. Allele origin: germline. Affected: yes. Observed: 1 variant allele.
Comment: KMT2D: PM2, BP4